The following is an entry in ClinVar:

NM_004104.5(FASN):c.2107C>T (p.Arg703Trp)

Gene: FASN (fatty acid synthase; minus strand). Cytogenetic location: 17q25.3.
Variant type: single nucleotide variant.
Coding change: c.2107C>T on transcript NM_004104.5 (MANE Select); coding-DNA position 2107, C replaced by T.
Protein change: p.Arg703Trp; replaces arginine 703 with tryptophan.
Molecular consequence: missense variant.
Genome position (GRCh38, 1-based): chr17:82,089,166, G>A on the plus strand (C>T on the coding strand, the complement: FASN is on the minus strand). VCF-style: chr17-82089166-G-A. GRCh37 (hg19) VCF-style: chr17-80047042-G-A.
Other names: short protein forms R703W.
Identifiers: ClinVar variation 531006 (VCV000531006.6), dbSNP rs768238548, ClinGen allele CA8852895.

ClinVar aggregate classification (germline): Uncertain significance (1 of 4 stars; one submission).

Conditions:
Epileptic encephalopathy. Identifiers: MedGen C0543888, HP:0200134.

Allele frequency attached by ClinVar (database versions not stated): gnomAD 0.00004 and 0.00003; gnomAD exomes 0.00005; TOPMed 0.00005; ExAC 0.00015.
gnomAD v4.1: 62 of 1,579,156 alleles (0.0039%); highest among the groups gnomAD compares: East Asian, 0.0071%; no homozygotes.

Submission:

Labcorp Genetics (formerly Invitae), Labcorp
Classification: Uncertain significance for Epileptic encephalopathy. Last evaluated: 2025-02-15. Review status: criteria provided, single submitter. Criteria: Invitae Variant Classification Sherloc (09022015). Collection method: clinical testing. Allele origin: germline.
Comment: This sequence change replaces arginine, which is basic and polar, with tryptophan, which is neutral and slightly polar, at codon 703 of the FASN protein (p.Arg703Trp). This variant is present in population databases (rs768238548, gnomAD 0.02%). This variant has not been reported in the literature in individuals affected with FASN-related conditions. ClinVar contains an entry for this variant (Variation ID: 531006). An algorithm developed to predict the effect of missense changes on protein structure and function (PolyPhen-2) suggests that this variant is likely to be disruptive. In summary, the available evidence is currently insufficient to determine the role of this variant in disease. Therefore, it has been classified as a Variant of Uncertain Significance.